The following is an entry in ClinVar:

NM_015087.5(SPART):c.894_898del (p.Met299fs)

Gene: SPART (spartin; minus strand). Cytogenetic location: 13q13.3.
Variant type: Deletion.
Coding change: c.894_898del on transcript NM_015087.5 (MANE Select); coding-DNA positions 894 to 898, 5 bases deleted (AATGC; older notation c.894_898delAATGC).
Protein change: p.Met299fs; shifts the reading frame from methionine 299.
Molecular consequence: frameshift variant.
Genome position (GRCh38, 1-based): chr13:36,331,509-36,331,513, GCATT deleted on the plus strand (AATGC on the coding strand, the reverse complement: SPART is on the minus strand); deleting any 5 consecutive bases within chr13:36,331,509-36,331,514 gives the same sequence; the c. name uses the placement nearest the transcript's 3' end. VCF-style (leftmost placement, unchanged base first): chr13-36331508-AGCATT-A. GRCh37 (hg19) VCF-style: chr13-36905645-AGCATT-A.
Other names: c.894_898del, p.Met299fs (NM_001142294.2, NM_001142295.2, NM_001142296.2); short protein forms M299fs.
Identifiers: ClinVar variation 1687408 (VCV001687408.1), dbSNP rs2137515973, ClinGen allele CA2573149670.
Genomic context (GRCh38, chr13:36,331,508, plus strand): 5'-CTATCATCCTCTGGTAACTCAGAGGACAGGACGACCCCCACAAAGCATCCTGCTGCTTGT[AGCATT>A]GTATCAGGAAACATGTAGGCTCCCGCAGTACATTTCAGAACCGGAGATCTATCAGGAACT-3'

ClinVar aggregate classification (germline): Pathogenic (1 of 4 stars; one submission).

Conditions:
Troyer syndrome (SPG20). Identifiers: Orphanet 101000, MedGen C0393559, MONDO:0010156, OMIM 275900.

Submission:

3billion
Classification: Pathogenic for Troyer syndrome. Last evaluated: 2022-05-22. Review status: criteria provided, single submitter. Criteria: ACMG Guidelines, 2015. Collection method: clinical testing. Allele origin: germline. Affected: yes. Observed: 1 homozygote.
Comment: The variant is not observed in the gnomAD v2.1.1 dataset. Frameshift: predicted to result in a loss or disruption of normal protein function through nonsense-mediated decay (NMD) or protein truncation. Multiple pathogenic variants are reported downstream of the variant. Therefore, this variant is classified as likely pathogenic according to the recommendation of ACMG/AMP guideline.